The following is an entry in ClinVar:

ClinVar aggregate classification (germline): Likely benign. Review status: criteria provided, multiple submitters, no conflicts (2 of 4 stars). 3 submissions from 3 submitters: Likely benign (3). Last evaluated 2025-03-26.

Conditions:
Familial thoracic aortic aneurysm and aortic dissection (TAAD). Also called: Thoracic aortic aneurysms and dissections. Identifiers: Orphanet 91387, MedGen C4707243, MONDO:0019625.
Congenital contractural arachnodactyly (CCA). Also called: BEALS SYNDROME; Beals-Hecht syndrome; Arthrogryposis, distal, type 9. Identifiers: Orphanet 115, MedGen C0220668, MONDO:0007363, OMIM 121050.

Allele frequency attached by ClinVar (database versions not stated): gnomAD exomes 0.00002 and 0.00007; ExAC 0.00008.
gnomAD v4.1: 35 of 1,613,298 alleles (0.0022%); highest among the groups gnomAD compares: South Asian, 0.038%; no homozygotes.

Submissions (3):

Labcorp Genetics (formerly Invitae), Labcorp
Classification: Likely benign for Congenital contractural arachnodactyly. Last evaluated: 2025-03-26. Review status: criteria provided, single submitter. Criteria: Invitae Variant Classification Sherloc (09022015). Collection method: clinical testing. Allele origin: germline.

Ambry Genetics
Classification: Likely benign for Familial thoracic aortic aneurysm and aortic dissection. Last evaluated: 2023-04-11. Review status: criteria provided, single submitter. Criteria: Ambry Variant Classification Scheme 2023. Collection method: clinical testing. Allele origin: germline.

Illumina Laboratory Services, Illumina
Classification: Likely benign for Congenital contractural arachnodactyly. Last evaluated: 2018-01-13. Review status: criteria provided, single submitter. Criteria: ICSL Variant Classification Criteria 13 December 2019. Collection method: clinical testing. Allele origin: germline.
Comment: This variant was observed in the ICSL laboratory as part of a predisposition screen in an ostensibly healthy population. It had not been previously curated by ICSL or reported in the Human Gene Mutation Database (HGMD: prior to June 1st, 2018), and was therefore a candidate for classification through an automated scoring system. Utilizing variant allele frequency, disease prevalence and penetrance estimates, and inheritance mode, an automated score was calculated to assess if this variant is too frequent to cause the disease. Based on the score and internal cut-off values, a variant classified as likely benign is not then subjected to further curation. The score for this variant resulted in a classification of likely benign for this disease.

NM_001999.4(FBN2):c.4035G>A (p.Lys1345=)

Gene: FBN2 (fibrillin 2; minus strand). Cytogenetic location: 5q23.3.
Variant type: single nucleotide variant.
Coding change: c.4035G>A on transcript NM_001999.4 (MANE Select); coding-DNA position 4035, G replaced by A.
Protein change: p.Lys1345=; no amino-acid change (lysine 1345 retained).
Molecular consequence: synonymous variant.
Genome position (GRCh38, 1-based): chr5:128,334,783, C>T on the plus strand (G>A on the coding strand, the complement: FBN2 is on the minus strand). VCF-style: chr5-128334783-C-T. GRCh37 (hg19) VCF-style: chr5-127670475-C-T.
Identifiers: ClinVar variation 906048 (VCV000906048.13), dbSNP rs772465221, ClinGen allele CA3395069.